The following is an entry in ClinVar:

ClinVar aggregate classification (germline): Uncertain significance. Review status: criteria provided, multiple submitters, no conflicts (2 of 4 stars). 3 submissions from 3 submitters: Uncertain significance (2). 1 of the submissions does not count toward it. Last evaluated 2024-05-17.

Conditions:
MKS1-related disorder. Also called: MKS1-related disorders; MKS1-related condition. Identifiers: MedGen CN239382.

Allele frequency attached by ClinVar (database versions not stated): gnomAD 0.00003; TOPMed 0.00003; ExAC 0.00004; gnomAD exomes 0.00008.
gnomAD v4.1: 116 of 1,606,788 alleles (0.0072%); highest among the groups gnomAD compares: Non-Finnish European, 0.0076%; no homozygotes.

Submissions (3):

Blueprint Genetics
Classification: Uncertain significance. Last evaluated: 2024-05-17. Review status: criteria provided, single submitter. Criteria: ACMG Guidelines, 2015. Collection method: clinical testing. Allele origin: germline.

Revvity Omics, Revvity
Classification: Uncertain significance. Last evaluated: 2020-02-24. Review status: criteria provided, single submitter. Criteria: ACMG Guidelines, 2015. Collection method: clinical testing. Allele origin: germline.

PreventionGenetics, part of Exact Sciences
Classification: Uncertain significance for MKS1-related condition. Last evaluated: 2024-04-09. Review status: no assertion criteria provided. Collection method: clinical testing. Allele origin: germline. Not counted in ClinVar's aggregate classification.
Comment: The MKS1 c.461T>C variant is predicted to result in the amino acid substitution p.Phe154Ser. To our knowledge, this variant has not been reported in the literature. This variant is reported in 0.044% of alleles in individuals of European (Finnish) descent in gnomAD. At this time, the clinical significance of this variant is uncertain due to the absence of conclusive functional and genetic evidence.

NM_017777.4(MKS1):c.461T>C (p.Phe154Ser)

Gene: MKS1 (MKS transition zone complex subunit 1; minus strand). Cytogenetic location: 17q22.
Variant type: single nucleotide variant.
Coding change: c.461T>C on transcript NM_017777.4 (MANE Select); coding-DNA position 461, T replaced by C.
Protein change: p.Phe154Ser; replaces phenylalanine 154 with serine.
Molecular consequence: missense variant. On other transcripts: intron variant (1).
Genome position (GRCh38, 1-based): chr17:58,214,795, A>G on the plus strand (T>C on the coding strand, the complement: MKS1 is on the minus strand). VCF-style: chr17-58214795-A-G. GRCh37 (hg19) VCF-style: chr17-56292156-A-G.
Other names: c.461T>C, p.Phe154Ser (NM_001321269.2, NM_001330397.2, NM_001411113.1); c.-94-408T>C (NM_001321268.2); short protein forms F154S.
Identifiers: ClinVar variation 2433753 (VCV002433753.6), dbSNP rs753579811, ClinGen allele CA8669516.